The following is an entry in ClinVar:

ClinVar aggregate classification (germline): Likely benign. Review status: criteria provided, multiple submitters, no conflicts (2 of 4 stars). 3 submissions from 3 submitters: Likely benign (2). 1 of the submissions does not count toward it. Last evaluated 2024-07-02.

Conditions:
HPS4-related disorder. Also called: HPS4-related condition.

Allele frequency attached by ClinVar (database versions not stated): gnomAD exomes below 0.00001; ExAC 0.00002; TOPMed 0.00002; gnomAD 0.00003; 1000 Genomes Project 30x 0.00016; 1000 Genomes Project 0.00020.
gnomAD v4.1: 13 of 1,614,210 alleles (0.00081%); highest among the groups gnomAD compares: African/African-American, 0.015%; no homozygotes.

Submissions (3):

Blueprint Genetics
Classification: Likely benign. Last evaluated: 2024-07-02. Review status: criteria provided, single submitter. Criteria: ACMG Guidelines, 2015. Collection method: clinical testing. Allele origin: germline.

Labcorp Genetics (formerly Invitae), Labcorp
Classification: Likely benign. Last evaluated: 2024-02-13. Review status: criteria provided, single submitter. Criteria: Invitae Variant Classification Sherloc (09022015). Collection method: clinical testing. Allele origin: germline.

PreventionGenetics, part of Exact Sciences
Classification: Likely benign for HPS4-related condition. Last evaluated: 2019-07-01. Review status: no assertion criteria provided. Collection method: clinical testing. Allele origin: germline. Not counted in ClinVar's aggregate classification.
Comment: This variant is classified as likely benign based on ACMG/AMP sequence variant interpretation guidelines (Richards et al. 2015 PMID: 25741868, with internal and published modifications).

NM_022081.6(HPS4):c.150G>A (p.Gln50=)

Gene: HPS4 (HPS4 biogenesis of lysosomal organelles complex 3 subunit 2; minus strand). Cytogenetic location: 22q12.1.
Variant type: single nucleotide variant.
Coding change: c.150G>A on transcript NM_022081.6 (MANE Select); coding-DNA position 150, G replaced by A.
Protein change: p.Gln50=; no amino-acid change (glutamine 50 retained).
Molecular consequence: synonymous variant. On other transcripts: non-coding transcript variant (8).
Genome position (GRCh38, 1-based): chr22:26,477,119, C>T on the plus strand (G>A on the coding strand, the complement: HPS4 is on the minus strand). VCF-style: chr22-26477119-C-T. GRCh37 (hg19) VCF-style: chr22-26873085-C-T.
Other names: c.150G>A, p.Gln50= (NM_001349896.1, NM_001349898.2, NM_001349899.2 and 7 more transcripts); c.135G>A, p.Gln45= (NM_152841.2).
Identifiers: ClinVar variation 2081142 (VCV002081142.7), dbSNP rs577190408, ClinGen allele CA10163801.
Genomic context (GRCh38, chr22:26,477,119, plus strand): 5'-AGAGTCAGAAATGTCAGAAACACAGCGGACAACTCCAGCAATCTGTCCACAAAGCAACTC[C>T]TGTTGGTCTAGCAGGGTCTGTGGGAAAGGAGCACATTCCAGATAGGAAGCTGAAATTCTT-3'
Protein context (NP_071364.4, residues 40-60): FYPSQTLLDQ[Gln50=]ELLCGQIAGV